The following is an entry in ClinVar:

NM_001127222.2(CACNA1A):c.6478C>T (p.His2160Tyr)

Gene: CACNA1A (calcium voltage-gated channel subunit alpha1 A; minus strand). Cytogenetic location: 19p13.13.
Variant type: single nucleotide variant.
Coding change: c.6478C>T on transcript NM_001127222.2 (MANE Select); coding-DNA position 6478, C replaced by T.
Protein change: p.His2160Tyr; replaces histidine 2160 with tyrosine.
Molecular consequence: missense variant.
Genome position (GRCh38, 1-based): chr19:13,209,360, G>A on the plus strand (C>T on the coding strand, the complement: CACNA1A is on the minus strand). VCF-style: chr19-13209360-G-A. GRCh37 (hg19) VCF-style: chr19-13320174-G-A.
Other names: c.6496C>T, p.His2166Tyr (NM_000068.4, NM_023035.3); c.6481C>T, p.His2161Tyr (NM_001127221.2); c.6487C>T, p.His2163Tyr (NM_001174080.2); short protein forms H2161Y, H2160Y, H2163Y, H2166Y.
Identifiers: ClinVar variation 2001099 (VCV002001099.4), dbSNP rs2054715959, ClinGen allele CA404330805.

ClinVar aggregate classification (germline): Uncertain significance (1 of 4 stars; one submission).

Conditions:
Episodic ataxia type 2 (EA2). Also called: ATAXIA, EPISODIC, WITH NYSTAGMUS; ATAXIA, FAMILIAL PAROXYSMAL; CEREBELLAR ATAXIA, PAROXYSMAL, ACETAZOLAMIDE-RESPONSIVE; CEREBELLOPATHY, HEREDITARY PAROXYSMAL; ACETAZOLAMIDE-RESPONSIVE HEREDITARY PAROXYSMAL CEREBELLAR ATAXIA; EPISODIC ATAXIA, NYSTAGMUS-ASSOCIATED. Identifiers: Orphanet 97, MedGen C1720416, MONDO:0007163, OMIM 108500.
Developmental and epileptic encephalopathy, 42 (DEE42A). Also called: EPILEPTIC ENCEPHALOPATHY, EARLY INFANTILE, 42A; Epileptic encephalopathy, early infantile, 42; DEVELOPMENTAL AND EPILEPTIC ENCEPHALOPATHY 42A. Identifiers: MedGen C4310716, MONDO:0014917, OMIM 617106.

Submission:

Labcorp Genetics (formerly Invitae), Labcorp
Classification: Uncertain significance for Developmental and epileptic encephalopathy, 42; Episodic ataxia type 2. Last evaluated: 2022-05-30. Review status: criteria provided, single submitter. Criteria: Invitae Variant Classification Sherloc (09022015). Collection method: clinical testing. Allele origin: germline.
Comment: This sequence change replaces histidine, which is basic and polar, with tyrosine, which is neutral and polar, at codon 2161 of the CACNA1A protein (p.His2161Tyr). This variant is not present in population databases (gnomAD no frequency). This variant has not been reported in the literature in individuals affected with CACNA1A-related conditions. Advanced modeling of protein sequence and biophysical properties (such as structural, functional, and spatial information, amino acid conservation, physicochemical variation, residue mobility, and thermodynamic stability) performed at Invitae indicates that this missense variant is not expected to disrupt CACNA1A protein function. In summary, the available evidence is currently insufficient to determine the role of this variant in disease. Therefore, it has been classified as a Variant of Uncertain Significance.